The following is an entry in ClinVar:

ClinVar aggregate classification (germline): Likely benign. Review status: criteria provided, multiple submitters, no conflicts (2 of 4 stars). 3 submissions from 3 submitters: Likely benign (3). Last evaluated 2026-09-01.

Conditions:
Dyskeratosis congenita, autosomal dominant 2. Identifiers: MedGen C3151443, MONDO:0013521, OMIM 613989.
Idiopathic Pulmonary Fibrosis. Also called: Idiopathic fibrosing alveolitis, chronic form; idiopathic fibrosing alveolitis. Identifiers: Orphanet 2032, MedGen C1800706, MeSH D054990, MONDO:0800504.
Dyskeratosis congenita. Identifiers: Orphanet 1775, MedGen C0265965, MONDO:0015780.

Allele frequency attached by ClinVar (database versions not stated): gnomAD exomes below 0.00001; ExAC 0.00002.
gnomAD v4.1: 5 of 1,588,390 alleles (0.00031%); highest among the groups gnomAD compares: African/African-American, 0.0027%; no homozygotes.

Submissions (3):

CeGaT Center for Human Genetics Tuebingen
Classification: Likely benign. Last evaluated: 2026-09-01. Review status: criteria provided, single submitter. Criteria: CeGaT Center For Human Genetics Tuebingen Variant Classification Criteria Version 2. Collection method: clinical testing. Allele origin: germline. Affected: yes. Observed: 1 variant allele.
Comment: TERT: BP4, BP7

Labcorp Genetics (formerly Invitae), Labcorp
Classification: Likely benign for Dyskeratosis congenita, autosomal dominant 2; Idiopathic Pulmonary Fibrosis. Last evaluated: 2025-12-22. Review status: criteria provided, single submitter. Criteria: Invitae Variant Classification Sherloc (09022015). Collection method: clinical testing. Allele origin: germline.

Ambry Genetics
Classification: Likely benign for Dyskeratosis congenita. Last evaluated: 2022-02-12. Review status: criteria provided, single submitter. Criteria: Ambry Variant Classification Scheme 2023. Collection method: clinical testing. Allele origin: germline.

NM_198253.3(TERT):c.399G>C (p.Gly133=)

Gene: TERT (telomerase reverse transcriptase; minus strand). Cytogenetic location: 5p15.33.
Variant type: single nucleotide variant.
Coding change: c.399G>C on transcript NM_198253.3 (MANE Select); coding-DNA position 399, G replaced by C.
Protein change: p.Gly133=; no amino-acid change (glycine 133 retained).
Molecular consequence: synonymous variant. On other transcripts: non-coding transcript variant (2).
Genome position (GRCh38, 1-based): chr5:1,294,487, C>G on the plus strand (G>C on the coding strand, the complement: TERT is on the minus strand). VCF-style: chr5-1294487-C-G. GRCh37 (hg19) VCF-style: chr5-1294602-C-G.
Other names: c.399G>C, p.Gly133= (NM_001193376.3).
Identifiers: ClinVar variation 539253 (VCV000539253.15), dbSNP rs767592753, ClinGen allele CA3184987.